The following is an entry in ClinVar:

ClinVar aggregate classification (germline): Pathogenic/Likely pathogenic. Review status: criteria provided, multiple submitters, no conflicts (2 of 4 stars). 12 submissions from 12 submitters: Pathogenic (6); Likely pathogenic (5). 1 of the submissions does not count toward it. Last evaluated 2026-03-30.

Conditions:
GM2-GANGLIOSIDOSIS, CHRONIC. Identifiers: MedGen C4016988.
HEXA-related disorders.
Autosomal recessive HEXA-related disorders.
Tay-Sachs disease (TSD). Also called: HEXA DEFICIENCY; Hexosaminidase A Deficiency; GM2 gangliosidosis, type 1; Hexosaminidase alpha-subunit deficiency (variant B); Sphingolipidosis, Tay-Sachs; HEXA Disorders. Identifiers: Orphanet 845, MedGen C0039373, MONDO:0010100, OMIM 272800.

Allele frequency attached by ClinVar (database versions not stated): ExAC 0.00002; gnomAD exomes 0.00002 and 0.00007; gnomAD 0.00006 and 0.00007; TOPMed 0.00006.
gnomAD v4.1: 116 of 1,612,286 alleles (0.0072%); highest among the groups gnomAD compares: Non-Finnish European, 0.0087%; no homozygotes.

Submissions (12):

Women's Health and Genetics/Laboratory Corporation of America, LabCorp
Classification: Pathogenic for Tay-Sachs disease. Last evaluated: 2026-03-30. Review status: criteria provided, single submitter. Criteria: LabCorp Variant Classification Summary - May 2015. Collection method: clinical testing. Allele origin: germline.
Comment: Variant summary: HEXA c.806-7G>A alters a nucleotide located at a position not widely known to affect splicing. Several computational tools predict a significant impact on normal splicing: Two predict the variant abolishes the canonical intron 7 - 3' splice acceptor site. Two predict the variant weakens the canonical intron 7 - 3' splice acceptor site. Three predict the variant creates a new intronic 3' splice acceptor site located 5 nucleotides upstream of the normal canonical intron 7 - 3' splice acceptor site. At least one publication reports experimental evidence that this variant affects mRNA splicing (Fernandes_1997). The study demonstrated that this variant leads to a reduction in steady state levels of HEXA mRNA and production of an abnormally spliced mRNA species with exon 8 deleted. The variant allele was found at a frequency of 2.4e-05 in 250368 control chromosomes. c.806-7G>A has been reported in the literature as a compound heterozygous genotype in individuals affected with Tay-Sachs Disease (example, Fernandes_1997, Majovska_2023, internal data). Fernandes_1997 also reports experimental evidence evaluating an impact on protein function. The most pronounced variant effect results in 5% of normal Hexosaminidase A enzyme activity measured in the fibroblasts of the individual with the compound heterozygous genotype. As a control measurement, the Hexosaminidase A enzyme activity in the fibroblasts of a carrier of the other allele was 57%, consistent with the carrier genotype. The following publications have been ascertained in the context of this evaluation (PMID: 9272736, 10571007, 17001642, 38112342). ClinVar contains an entry for this variant (Variation ID: 209160). Based on the evidence outlined above, the variant was classified as pathogenic.

Variantyx, Inc.
Classification: Pathogenic for Autosomal recessive HEXA-related disorders. Last evaluated: 2026-01-02. Review status: criteria provided, single submitter. Criteria: Variantyx Assertion Criteria 2022. Collection method: clinical testing. Allele origin: germline. Inheritance: Autosomal recessive inheritance. Affected: no.
Comment: This is an intronic variant in the HEXA gene (OMIM: 606869). Pathogenic variants in this gene have been associated with autosomal recessive HEXA-related disorders. This variant has been identified in the homozygous or compound heterozygous state in at least 3 individuals reported in the published literature (PMID: 38112342, 9272736) (PM3_Strong). Functional studies have shown that this variant alters HEXA protein function (PMID: 9272736) (PS3). This variant has a 0.0087% maximum allele frequency in non-founder control populations (PM2). Based on the current evidence, this variant is classified as pathogenic for autosomal recessive HEXA-related disorders.No other variant of clinical significance was identified in the HEXA gene. A single pathogenic variant in a gene associated with autosomal recessive disease is generally insufficient to cause disease. Therefore, this finding likely represents carrier status.

GeneDx
Classification: Pathogenic. Last evaluated: 2025-12-30. Review status: criteria provided, single submitter. Criteria: GeneDx Variant Classification Process June 2021. Collection method: clinical testing. Allele origin: germline. Affected: yes.
Comment: Introduces a new splice acceptor site upstream of the normal intron 7 splice acceptor site and leads to a more than 80% reduction of steady-state HEXA mRNA levels (PMID: 9272736); In silico analysis supports a deleterious effect on splicing; Not observed at significant frequency in large population cohorts (gnomAD); This variant is associated with the following publications: (PMID: 26633545, 9272736, 17001642, 10571007, 38112342, 37754769, 39807213)

Labcorp Genetics (formerly Invitae), Labcorp
Classification: Pathogenic for Tay-Sachs disease. Last evaluated: 2025-10-19. Review status: criteria provided, single submitter. Criteria: Invitae Variant Classification Sherloc (09022015). Collection method: clinical testing. Allele origin: germline.
Comment: This sequence change falls in intron 7 of the HEXA gene. It does not directly change the encoded amino acid sequence of the HEXA protein. This variant is present in population databases (rs770932296, gnomAD 0.005%). This variant has been observed in individual(s) with clinical features of Tay-Sachs disease (PMID: 9272736; externalcommunication, internal data). In at least one individual the data is consistent with being in trans (on the opposite chromosome) from a pathogenic variant. ClinVar contains an entry for this variant (Variation ID: 209160). Algorithms developed to predict the effect of sequence changes on RNA splicing suggest that this variant may disrupt the consensus splice site. For these reasons, this variant has been classified as Pathogenic.

Natera, Inc.
Classification: Likely pathogenic for Tay-Sachs disease. Last evaluated: 2025-10-02. Review status: criteria provided, single submitter. Criteria: Natera Variant Classification Schema (03/2026). Collection method: clinical testing. Allele origin: germline.
Comment: The c.806-7G>A variant in HEXA is an intronic variant located outside the canonical splice sites. This variant is rare in the general population with a frequency below the threshold expected for the associated phenotype(s). This variant has been observed in one or more individuals affected with the associated recessive disease, as either homozygous or compound heterozygous with a second variant (PMID: 9272736, 37754769, 38112342). Functional studies show that this variant may disrupt protein function (PMID: 9272736). Computational prediction algorithms indicate this variant is likely to affect gene or protein function. Given the available evidence, this variant is classified as Likely Pathogenic.

Revvity Omics, Revvity
Classification: Pathogenic for Tay-Sachs disease. Last evaluated: 2025-07-11. Review status: criteria provided, single submitter. Criteria: ACMG Guidelines, 2015. Collection method: clinical testing. Allele origin: germline.

CeGaT Center for Human Genetics Tuebingen
Classification: Likely pathogenic. Last evaluated: 2024-05-01. Review status: criteria provided, single submitter. Criteria: CeGaT Center For Human Genetics Tuebingen Variant Classification Criteria Version 2. Collection method: clinical testing. Allele origin: germline. Affected: yes. Observed: 1 variant allele.
Comment: HEXA: PM3:Strong, PM2, PS3:Supporting

Myriad Genetics, Inc.
Classification: Likely pathogenic for Tay-Sachs disease. Last evaluated: 2024-04-29. Review status: criteria provided, single submitter. Criteria: Myriad Autosomal Dominant, Autosomal Recessive and X-Linked Classification Criteria (2023). Collection method: clinical testing. Allele origin: unknown.
Comment: NM_000520.4(HEXA):c.806-7G>A is an intronic variant classified as likely pathogenic in the context of hexosaminidase A deficiency. c.806-7G>A has been observed in cases with relevant disease (PMID: 9272736, 37754769, 38112342). Relevant functional assessments of this variant are available in the literature (PMID: 9272736). c.806-7G>A has been observed in referenced population frequency databases. In summary, NM_000520.4(HEXA):c.806-7G>A is an intronic variant that has functional support for pathogenicity and has been observed more frequently in cases with the relevant disease than in healthy populations. Please note: this variant was assessed in the context of healthy population screening.

Blueprint Genetics
Classification: Likely pathogenic for HEXA-related disorders. Last evaluated: 2021-09-28. Review status: criteria provided, single submitter. Criteria: ACMG Guidelines, 2015. Collection method: clinical testing. Allele origin: germline. Affected: yes. Observed: 5 variant alleles.

ARUP Laboratories, Molecular Genetics and Genomics, ARUP Laboratories
Classification: Likely pathogenic. Last evaluated: 2019-08-30. Review status: criteria provided, single submitter. Criteria: ARUP Molecular Germline Variant Investigation Process. Collection method: clinical testing. Allele origin: germline.
Comment: The HEXA c.806-7G>A variant (rs770932296) is reported in the literature in an individual affected with chronic GM2-gangliosidosis that also carried a second pathogenic variant (Fernandes 1997). This variant is found on only seven chromosomes (7/281768 alleles) in the Genome Aggregation Database. This is an intronic variant in a moderately conserved nucleotide, and computational analyses (Alamut v.2.11) predict that this variant may impact splicing by creating a novel cryptic acceptor splice site. Indeed, analyses of mRNAs from an individual carrying this variant indicates a >80% decrease in mRNA levels and skipping of exon 8 (Fernandes 1997). Based on available information, this variant is considered to be likely pathogenic. References: Fernandes MJ et al. A chronic GM2 gangliosidosis variant with a HEXA splicing defect: quantitation of HEXA mRNAs in normal and mutant fibroblasts. Eur J Hum Genet. 1997 May-Jun;5(3):129-36.

Baylor Genetics
Classification: Pathogenic for Tay-Sachs disease. Last evaluated: 2014-07-02. Review status: criteria provided, single submitter. Criteria: Yang et al. 2013. Collection method: clinical testing. Allele origin: germline. Inheritance: Autosomal recessive inheritance. Affected: yes. Observed: 2 variant alleles, 1 heterozygote, 1 compound heterozygote. Study: Adult_WES.
Comment: Variant pathogenic in recessive state; heterozygotes are carriers.

OMIM
Classification: Pathogenic for GM2-GANGLIOSIDOSIS, CHRONIC. Last evaluated: 1992-12-01. Review status: no assertion criteria provided. Collection method: literature only. Allele origin: germline. Not counted in ClinVar's aggregate classification.

Literature cited by the submitters: PubMed 10571007 (cited by Women's Health and Genetics/Laboratory Corporation of America, LabCorp); PubMed 9272736 (cited by 6 submitters); PubMed 17001642 (cited by Women's Health and Genetics/Laboratory Corporation of America, LabCorp); PubMed 38112342 (cited by 4 submitters); PubMed 37754769 (cited by Natera, Inc. and Myriad Genetics, Inc.); PubMed 26633545 (cited by Baylor Genetics); PubMed 1302612 (cited by OMIM).

NM_000520.6(HEXA):c.806-7G>A

Gene: HEXA (hexosaminidase subunit alpha; minus strand). Cytogenetic location: 15q23.
Variant type: single nucleotide variant.
Coding change: c.806-7G>A on transcript NM_000520.6 (MANE Select); 7 bases into the intron before coding-DNA position 806, G replaced by A.
Molecular consequence: intron variant.
Genome position (GRCh38, 1-based): chr15:72,349,266, C>T on the plus strand (G>A on the coding strand, the complement: HEXA is on the minus strand). VCF-style: chr15-72349266-C-T. GRCh37 (hg19) VCF-style: chr15-72641607-C-T.
Other names: IVS7, G-A, -7; c.806-7G>A (NM_000520.5); c.839-7G>A (NM_001318825.2).
Identifiers: ClinVar variation 209160 (VCV000209160.55), dbSNP rs770932296, ClinGen allele CA276145.